The following is an entry in ClinVar:

ClinVar aggregate classification (germline): Uncertain significance (1 of 4 stars; one submission).

Conditions:
EEF2-related disorder. Also called: EEF2-related condition.

Submission:

PreventionGenetics, part of Exact Sciences
Classification: Uncertain significance for EEF2-related condition. Last evaluated: 2026-08-10. Review status: criteria provided, single submitter. Criteria: ACMG Guidelines, 2015. Collection method: clinical testing. Allele origin: germline.
Comment: The EEF2 c.1284G>T variant is predicted to result in the amino acid substitution p.Arg428Ser. To our knowledge, this variant has not been reported in the literature or in a large population database (gnomAD), indicating this variant is rare. At this time, the clinical significance of this variant is uncertain due to the absence of conclusive functional and genetic evidence.

NM_001961.4(EEF2):c.1284G>T (p.Arg428Ser)

Gene: EEF2 (eukaryotic translation elongation factor 2; minus strand). Cytogenetic location: 19p13.3.
Variant type: single nucleotide variant.
Coding change: c.1284G>T on transcript NM_001961.4 (MANE Select); coding-DNA position 1284, G replaced by T.
Protein change: p.Arg428Ser; replaces arginine 428 with serine.
Molecular consequence: missense variant.
Genome position (GRCh38, 1-based): chr19:3,980,576, C>A on the plus strand (G>T on the coding strand, the complement: EEF2 is on the minus strand). VCF-style: chr19-3980576-C-A. GRCh37 (hg19) VCF-style: chr19-3980574-C-A.
Other names: short protein forms R428S.
Identifiers: ClinVar variation 4996035 (VCV004996035.1).
Genomic context (GRCh38, chr19:3,980,576, plus strand): 5'-CTGGATTGGCTTCAGGTAGAGGTCCTCCTTCTTCCCAGGGGTATAGTTGGGCCCCATGAT[C>A]CTGACCTTCAGGCCAGTGGAGACCAGCCCCGAGAAGACTCGTCCAAAGGCGTAGAACCGA-3'
Protein context (NP_001952.1, residues 418-438): SGLVSTGLKV[Arg428Ser]IMGPNYTPGK